The following is an entry in ClinVar:

NM_003999.3(OSMR):c.1204G>C (p.Ala402Pro)

Gene: OSMR (oncostatin M receptor; plus strand). Cytogenetic location: 5p13.1.
Variant type: single nucleotide variant.
Coding change: c.1204G>C on transcript NM_003999.3 (MANE Select); coding-DNA position 1204, G replaced by C.
Protein change: p.Ala402Pro; replaces alanine 402 with proline.
Molecular consequence: missense variant.
Genome position (GRCh38, 1-based): chr5:38,904,422, G>C. VCF-style: chr5-38904422-G-C. GRCh37 (hg19) VCF-style: chr5-38904524-G-C.
Other names: c.1204G>C, p.Ala402Pro (NM_001323505.2, NM_001323507.2); c.1207G>C, p.Ala403Pro (NM_001323506.2); short protein forms A402P, A403P.
Identifiers: ClinVar variation 1308620 (VCV001308620.2), dbSNP rs1222820413, ClinGen allele CA359553823.

ClinVar aggregate classification (germline): Uncertain significance (1 of 4 stars; one submission).

Allele frequency attached by ClinVar (database versions not stated): gnomAD exomes below 0.00001.
gnomAD v4.1: 1 of 1,614,138 alleles (0.000062%); highest among the groups gnomAD compares: Non-Finnish European, 0.000085%; no homozygotes.

Submission:

GeneDx
Classification: Uncertain significance. Last evaluated: 2019-04-12. Review status: criteria provided, single submitter. Criteria: GeneDx Variant Classification Process June 2021. Collection method: clinical testing. Allele origin: germline. Affected: yes.
Comment: In silico analysis, which includes protein predictors and evolutionary conservation, supports a deleterious effect; Has not been previously published as pathogenic or benign to our knowledge